The following is an entry in ClinVar:

ClinVar aggregate classification (germline): Uncertain significance (1 of 4 stars; one submission).

Submission:

Labcorp Genetics (formerly Invitae), Labcorp
Classification: Uncertain significance. Last evaluated: 2023-07-16. Review status: criteria provided, single submitter. Criteria: Invitae Variant Classification Sherloc (09022015). Collection method: clinical testing. Allele origin: germline.
Comment: In summary, the available evidence is currently insufficient to determine the role of this variant in disease. Therefore, it has been classified as a Variant of Uncertain Significance. An algorithm developed to predict the effect of missense changes on protein structure and function (PolyPhen-2) suggests that this variant is likely to be disruptive. This variant has not been reported in the literature in individuals affected with GABRA2-related conditions. This variant is not present in population databases (gnomAD no frequency). This sequence change replaces tyrosine, which is neutral and polar, with cysteine, which is neutral and slightly polar, at codon 321 of the GABRA2 protein (p.Tyr321Cys).

NM_000807.4(GABRA2):c.962A>G (p.Tyr321Cys)

Gene: GABRA2 (gamma-aminobutyric acid type A receptor subunit alpha2; minus strand). Cytogenetic location: 4p12.
Variant type: single nucleotide variant.
Coding change: c.962A>G on transcript NM_000807.4 (MANE Select); coding-DNA position 962, A replaced by G.
Protein change: p.Tyr321Cys; replaces tyrosine 321 with cysteine.
Molecular consequence: missense variant.
Genome position (GRCh38, 1-based): chr4:46,262,023, T>C on the plus strand (A>G on the coding strand, the complement: GABRA2 is on the minus strand). VCF-style: chr4-46262023-T-C. GRCh37 (hg19) VCF-style: chr4-46264040-T-C.
Other names: c.962A>G, p.Tyr321Cys (NM_001114175.3, NM_001330690.2, NM_001377144.1 and 8 more transcripts); c.797A>G, p.Tyr266Cys (NM_001286827.3, NM_001377152.1, NM_001377153.1 and 1 more transcripts); short protein forms Y266C, Y321C.
Identifiers: ClinVar variation 3006508 (VCV003006508.3), dbSNP rs2475295871, ClinGen allele CA356804323.